The following is an entry in ClinVar:

NM_001079668.3(NKX2-1):c.808G>A (p.Gly270Arg)

Genes: NKX2-1 (NK2 homeobox 1; minus strand), SFTA3 (surfactant associated 3; minus strand). Cytogenetic location: 14q13.3.
Variant type: single nucleotide variant.
Coding change: c.808G>A on transcript NM_001079668.3 (MANE Select); coding-DNA position 808, G replaced by A.
Protein change: p.Gly270Arg; replaces glycine 270 with arginine.
Molecular consequence: missense variant.
Genome position (GRCh38, 1-based): chr14:36,517,676, C>T on the plus strand (G>A on the coding strand, the complement: NKX2-1 is on the minus strand). VCF-style: chr14-36517676-C-T. GRCh37 (hg19) VCF-style: chr14-36986881-C-T.
Other names: c.718G>A, p.Gly240Arg (NM_003317.4); short protein forms G240R, G270R.
Identifiers: ClinVar variation 3299907 (VCV003299907.2).
Genomic context (GRCh38, chr14:36,517,676, plus strand): 5'-CCGCCACGCGTCGCGGCGACTGCTGCTGAGCCTGTTGCTGCTGCGGGCACCCGGTGCCCC[C>T]GCCGCCCCCGCCGCCGCCGCTGTCCTGCTGCAGTTGCTGCTGCGCCGCCTTGTCCTTGGC-3'
Protein context (NP_001073136.1, residues 260-280): QQDSGGGGGG[Gly270Arg]GTGCPQQQQA

ClinVar aggregate classification (germline): Uncertain significance. Review status: criteria provided, multiple submitters, no conflicts (2 of 4 stars). 2 submissions from 2 submitters: Uncertain significance (2). Last evaluated 2025-04-02.

Conditions:
Inborn genetic diseases. Identifiers: MedGen C0950123, MeSH D030342.

Submissions (2):

Labcorp Genetics (formerly Invitae), Labcorp
Classification: Uncertain significance. Last evaluated: 2025-04-02. Review status: criteria provided, single submitter. Criteria: Invitae Variant Classification Sherloc (09022015). Collection method: clinical testing. Allele origin: germline.
Comment: This sequence change replaces glycine, which is neutral and non-polar, with arginine, which is basic and polar, at codon 270 of the NKX2-1 protein (p.Gly270Arg). This variant is present in population databases (rs767734806, gnomAD 0.004%). This variant has not been reported in the literature in individuals affected with NKX2-1-related conditions. ClinVar contains an entry for this variant (Variation ID: 3299907). An algorithm developed to predict the effect of missense changes on protein structure and function (PolyPhen-2) suggests that this variant is likely to be tolerated. In summary, the available evidence is currently insufficient to determine the role of this variant in disease. Therefore, it has been classified as a Variant of Uncertain Significance.

Ambry Genetics
Classification: Uncertain significance for Inborn genetic diseases. Last evaluated: 2024-05-13. Review status: criteria provided, single submitter. Criteria: Ambry Variant Classification Scheme 2023. Collection method: clinical testing. Allele origin: germline.